The following is an entry in ClinVar:

NM_000540.3(RYR1):c.4865G>A (p.Arg1622Gln)

Gene: RYR1 (ryanodine receptor 1; plus strand). Cytogenetic location: 19q13.2.
Variant type: single nucleotide variant.
Coding change: c.4865G>A on transcript NM_000540.3 (MANE Select); coding-DNA position 4865, G replaced by A.
Protein change: p.Arg1622Gln; replaces arginine 1622 with glutamine.
Molecular consequence: missense variant.
Genome position (GRCh38, 1-based): chr19:38,483,447, G>A. VCF-style: chr19-38483447-G-A. GRCh37 (hg19) VCF-style: chr19-38974087-G-A.
Other names: c.4865G>A, p.Arg1622Gln (NM_001042723.2); short protein forms R1622Q.
Identifiers: ClinVar variation 657625 (VCV000657625.5), dbSNP rs780579604, ClinGen allele CA066483.
Genomic context (GRCh38, chr19:38,483,447, plus strand): 5'-TGTCCTGGAGCCGCATGCCCAACCACTTCCTGCAGGTGGAGACGAGGCGTGCCGGCGAGC[G>A]GCTGGGCTGGGCCGTGCAGTGCCAGGAGCCGCTGACCATGATGGCGCTGCACATCCCCGA-3'
Protein context (NP_000531.2, residues 1612-1632): LQVETRRAGE[Arg1622Gln]LGWAVQCQEP

ClinVar aggregate classification (germline): Uncertain significance. Review status: criteria provided, multiple submitters, no conflicts (2 of 4 stars). 2 submissions from 2 submitters: Uncertain significance (2). Last evaluated 2024-05-22.

Conditions:
RYR1-related disorder. Also called: RYR1-related disorders; RYR1-related condition. Identifiers: MedGen CN239331.
Malignant hyperthermia, susceptibility to, 1 (MHS1). Also called: RYR1-Related Malignant Hyperthermia Susceptibility; Anesthesia related hyperthermia; Malignant hyperpyrexia; Fulminating hyperpyrexia; Pharmacogenic myopathy; Malignant hyperthermia suceptibility 1. Identifiers: Orphanet 423, MedGen C2930980, MONDO:0007783, OMIM 145600.

Allele frequency attached by ClinVar (database versions not stated): TOPMed 0.00002; gnomAD exomes 0.00006; ExAC 0.00025.
gnomAD v4.1: 28 of 1,571,374 alleles (0.0018%); highest among the groups gnomAD compares: Admixed American, 0.013%; no homozygotes.

Submissions (2):

Color Diagnostics, LLC DBA Color Health
Classification: Uncertain significance for Malignant hyperthermia, susceptibility to, 1. Last evaluated: 2024-05-22. Review status: criteria provided, single submitter. Criteria: ACMG Guidelines, 2015. Collection method: clinical testing. Allele origin: germline.
Comment: This missense variant replaces arginine with glutamine at codon 1622 of the RYR1 protein. Computational prediction suggests that this variant may have deleterious impact on protein structure and function. To our knowledge, functional studies have not been reported for this variant. This variant has been reported in an individual diagnosed as malignant hyperthermia equivocal by in vitro contracture test (PMID: 32054689). This variant has been identified in 10/181580 chromosomes in the general population by the Genome Aggregation Database (gnomAD). The available evidence is insufficient to determine the role of this variant in disease conclusively. Therefore, this variant is classified as a Variant of Uncertain Significance.

Labcorp Genetics (formerly Invitae), Labcorp
Classification: Uncertain significance for RYR1-related disorder. Last evaluated: 2022-08-19. Review status: criteria provided, single submitter. Criteria: Invitae Variant Classification Sherloc (09022015). Collection method: clinical testing. Allele origin: germline.
Comment: This sequence change replaces arginine, which is basic and polar, with glutamine, which is neutral and polar, at codon 1622 of the RYR1 protein (p.Arg1622Gln). This variant is present in population databases (rs780579604, gnomAD 0.02%). This missense change has been observed in individual(s) with clinical features of RYR1-related conditions (PMID: 32054689). ClinVar contains an entry for this variant (Variation ID: 657625). Algorithms developed to predict the effect of missense changes on protein structure and function are either unavailable or do not agree on the potential impact of this missense change (SIFT: "Deleterious"; PolyPhen-2: "Probably Damaging"; Align-GVGD: "Class C0"). In summary, the available evidence is currently insufficient to determine the role of this variant in disease. Therefore, it has been classified as a Variant of Uncertain Significance.

Literature cited by the submitters: PubMed 32054689 (cited by Color Diagnostics, LLC DBA Color Health and Labcorp Genetics (formerly Invitae), Labcorp).